The following is an entry in ClinVar:

ClinVar aggregate classification (germline): Uncertain significance (1 of 4 stars; one submission).

gnomAD v4.1: 4 of 1,613,768 alleles (0.00025%); highest among the groups gnomAD compares: Non-Finnish European, 0.00034%; no homozygotes.

Submission:

GeneDx
Classification: Uncertain significance. Last evaluated: 2024-12-03. Review status: criteria provided, single submitter. Criteria: GeneDx Variant Classification Process June 2021. Collection method: clinical testing. Allele origin: germline. Affected: yes.
Comment: Not observed at significant frequency in large population cohorts (gnomAD); Missense variant in a gene in which most reported pathogenic variants are truncating/loss of function; Has not been previously published as pathogenic or benign to our knowledge

NM_001267550.2(TTN):c.84754C>T (p.Pro28252Ser)

Genes: TTN (titin; minus strand), TTN-AS1 (TTN antisense RNA 1; plus strand). Cytogenetic location: 2q31.2.
Variant type: single nucleotide variant.
Coding change: c.84754C>T on transcript NM_001267550.2 (MANE Select); coding-DNA position 84754, C replaced by T.
Protein change: p.Pro28252Ser; replaces proline 28252 with serine.
Molecular consequence: missense variant.
Genome position (GRCh38, 1-based): chr2:178,561,378, G>A on the plus strand (C>T on the coding strand, the complement: TTN is on the minus strand). VCF-style: chr2-178561378-G-A. GRCh37 (hg19) VCF-style: chr2-179426105-G-A.
Other names: c.79831C>T, p.Pro26611Ser (NM_001256850.1); c.57559C>T, p.Pro19187Ser (NM_003319.4); c.77050C>T, p.Pro25684Ser (NM_133378.4); c.57934C>T, p.Pro19312Ser (NM_133432.3); c.58135C>T, p.Pro19379Ser (NM_133437.4); short protein forms P19187S, P19312S, P19379S, P25684S, P26611S, P28252S.
Identifiers: ClinVar variation 3901698 (VCV003901698.1).
Genomic context (GRCh38, chr2:178,561,378, plus strand): 5'-TAAGTGACACTGATTTTCTTGTGATATTTGTGACTTCAGGTTGTCCAGGAGGGTCACAAG[G>A]ATCTCTTGCAGGGACTGGTTCACAAGATTTACTGCATTTACCAATTCCAGCAATATTTTC-3'
Protein context (NP_001254479.2, residues 28242-28262): KSCEPVPARD[Pro28252Ser]CDPPGQPEVT